The following is an entry in ClinVar:

NM_004343.4(CALR):c.1194GGA[1] (p.Glu399del)

Gene: CALR (calreticulin; plus strand). Cytogenetic location: 19p13.13.
Variant type: Microsatellite.
Coding change: c.1194GGA[1] on transcript NM_004343.4 (MANE Select); one copy of the 3-base unit GGA starting at c.1194; the reference has two copies in a row; one copy, 3 bases deleted.
Protein change: p.Glu399del; deletes glutamic acid 399.
Molecular consequence: inframe indel (on NM_004343.3).
Genome position (GRCh38, 1-based): chr19:12,943,856-12,943,858, GGA deleted; deleting any 3 consecutive bases within chr19:12,943,851-12,943,858 gives the same sequence; the position shown is the placement nearest the transcript's 3' end. VCF-style (leftmost placement, unchanged base first): chr19-12943850-TGAG-T. GRCh37 (hg19) VCF-style: chr19-13054664-TGAG-T.
Other names: c.1194_1196GGA[1], p.Glu399del (NM_004343.3); c.1197_1199delGGA (NM_004343.3); short protein forms E399del.
Identifiers: ClinVar variation 3032277 (VCV003032277.2), dbSNP rs754835839, ClinGen allele CA9236046.

ClinVar aggregate classification (germline): Uncertain significance (0 of 4 stars; one submission).

Conditions:
CALR-related disorder. Also called: CALR-related condition.

Submission:

PreventionGenetics, part of Exact Sciences
Classification: Uncertain significance for CALR-related condition. Last evaluated: 2024-01-21. Review status: no assertion criteria provided. Collection method: clinical testing. Allele origin: germline.
Comment: The CALR c.1197_1199delGGA variant is predicted to result in an in-frame deletion (p.Glu399del). To our knowledge, this variant has not been reported in the literature. This variant is reported in 0.015% of alleles in individuals of South Asian descent in gnomAD. At this time, the clinical significance of this variant is uncertain due to the absence of conclusive functional and genetic evidence.